The following is an entry in ClinVar:

ClinVar aggregate classification (germline): Likely benign. Review status: criteria provided, multiple submitters, no conflicts (2 of 4 stars). 2 submissions from 2 submitters: Likely benign (2). Last evaluated 2025-08-01.

Conditions:
Inborn genetic diseases. Identifiers: MedGen C0950123, MeSH D030342.

Submissions (2):

CeGaT Center for Human Genetics Tuebingen
Classification: Likely benign. Last evaluated: 2025-08-01. Review status: criteria provided, single submitter. Criteria: CeGaT Center For Human Genetics Tuebingen Variant Classification Criteria Version 2. Collection method: clinical testing. Allele origin: germline. Affected: yes. Observed: 1 variant allele.
Comment: WT1: PM2:Supporting, BP4, BP7

Ambry Genetics
Classification: Likely benign for Inborn genetic diseases. Last evaluated: 2025-02-02. Review status: criteria provided, single submitter. Criteria: Ambry Variant Classification Scheme 2023. Collection method: clinical testing. Allele origin: germline.

NM_024426.6(WT1):c.603T>C (p.Phe201=)

Genes: WT1 (WT1 transcription factor; minus strand), LOC107982234 (WT1/WT1-AS bi-directional promoter region; plus strand). Cytogenetic location: 11p13.
Variant type: single nucleotide variant.
Coding change: c.603T>C on transcript NM_024426.6 (MANE Select); coding-DNA position 603, T replaced by C.
Protein change: p.Phe201=; no amino-acid change (phenylalanine 201 retained).
Molecular consequence: synonymous variant. On other transcripts: non-coding transcript variant (2).
Genome position (GRCh38, 1-based): chr11:32,434,758, A>G on the plus strand (T>C on the coding strand, the complement: WT1 is on the minus strand). VCF-style: chr11-32434758-A-G. GRCh37 (hg19) VCF-style: chr11-32456304-A-G.
Other names: c.603T>C, p.Phe201= (NM_000378.6, NM_001407044.1, NM_001407045.1 and 6 more transcripts); c.384T>C, p.Phe128= (NM_001429031.1, NM_001429032.1, NM_001429033.1 and 1 more transcripts).
Identifiers: ClinVar variation 3817475 (VCV003817475.9).